The following is an entry in ClinVar:

NM_001134831.2(AHI1):c.2623+85A>G

Gene: AHI1 (Abelson helper integration site 1; minus strand). Cytogenetic location: 6q23.3.
Variant type: single nucleotide variant.
Coding change: c.2623+85A>G on transcript NM_001134831.2 (MANE Select); 85 bases into the intron after coding-DNA position 2623, A replaced by G.
Molecular consequence: intron variant.
Genome position (GRCh38, 1-based): chr6:135,428,544, T>C on the plus strand (A>G on the coding strand, the complement: AHI1 is on the minus strand). VCF-style: chr6-135428544-T-C. GRCh37 (hg19) VCF-style: chr6-135749682-T-C.
Other names: c.2623+85A>G (NM_001134830.2, NM_001350503.2, NM_017651.5 and 2 more transcripts).
Identifiers: ClinVar variation 675205 (VCV000675205.2), dbSNP rs13218824, ClinGen allele CA148118486.
Genomic context (GRCh38, chr6:135,428,544, plus strand): 5'-AAAGGCTTTCTAATCTTAAAAAACATAATTGAAAACCCAAAATCAGAATTTCCTTGAAAA[T>C]TATTCCATAAAATGGTAGAATTTTCACACTTCTTCAAACCCCTGTACCTCCCCAAATGAT-3'

ClinVar aggregate classification (germline): Likely benign. Review status: criteria provided, multiple submitters, no conflicts (2 of 4 stars). 2 submissions from 2 submitters: Likely benign (2). Last evaluated 2018-06-19.

Allele frequency attached by ClinVar (database versions not stated): 1000 Genomes Project 0.01358; 1000 Genomes Project 30x 0.01468; TOPMed 0.02520; gnomAD 0.02699 and 0.02783; gnomAD exomes 0.03776.
gnomAD v4.1: 49,995 of 1,373,918 alleles (3.6%); highest among the groups gnomAD compares: Non-Finnish European, 4.2%; 1,053 homozygotes.

Submissions (2):

GeneDx
Classification: Likely benign. Last evaluated: 2018-06-19. Review status: criteria provided, single submitter. Criteria: GeneDx Variant Classification (06012015). Collection method: clinical testing. Allele origin: germline. Affected: yes.
Comment: This variant is considered likely benign or benign based on one or more of the following criteria: it is a conservative change, it occurs at a poorly conserved position in the protein, it is predicted to be benign by multiple in silico algorithms, and/or has population frequency not consistent with disease.

Breakthrough Genomics
Classification: Likely benign. Review status: criteria provided, single submitter. Criteria: ACMG Guidelines, 2015. Collection method: not provided. Allele origin: germline. Inheritance: Autosomal recessive inheritance. Affected: yes.